The following is an entry in ClinVar:

ClinVar aggregate classification (germline): Likely benign. Review status: reviewed by expert panel (3 of 4 stars). 5 submissions from 5 submitters: Likely benign (1). 4 of the submissions do not count toward it. Last evaluated 2017-06-29.

Conditions:
Hereditary cancer-predisposing syndrome. Also called: Tumor predisposition; Hereditary Cancer Syndrome; Neoplastic Syndromes, Hereditary; Hereditary neoplastic syndrome. Identifiers: Orphanet 140162, MedGen C0027672, MeSH D009386, MONDO:0015356.
Hereditary breast ovarian cancer syndrome. Also called: Breast and ovarian cancer; Hereditary breast and ovarian cancer; Hereditary breast and ovarian cancer syndrome; Hereditary breast and/or ovarian cancer syndrome; BRCA1- and BRCA2-Associated Hereditary Breast and Ovarian Cancer; Hereditary breast and ovarian cancer syndrome (HBOC). Identifiers: Orphanet 145, MedGen C0677776, MeSH D061325, MONDO:0003582. Disease mechanism: loss of function.
Breast-ovarian cancer, familial, susceptibility to, 1 (BROVCA1). Also called: BRCA1 Hereditary Breast and Ovarian Cancer; OVARIAN CANCER, SUSCEPTIBILITY TO. Identifiers: Orphanet 145, MedGen C2676676, MONDO:0011450, OMIM 604370. Disease mechanism: loss of function.

Allele frequency attached by ClinVar (database versions not stated): TOPMed below 0.00001; gnomAD 0.00001.
gnomAD v4.1: 1 of 1,614,004 alleles (0.000062%); highest among the groups gnomAD compares: Non-Finnish European, 0.000085%; no homozygotes.

Submissions (5):

Evidence-based Network for the Interpretation of Germline Mutant Alleles (ENIGMA)
Classification: Likely benign for Breast-ovarian cancer, familial, susceptibility to, 1. Last evaluated: 2017-06-29. Review status: reviewed by expert panel. Criteria: ENIGMA BRCA1/2 Classification Criteria (2017-06-29). Collection method: curation. Allele origin: germline.
Comment: Synonymous substitution variant, with low bioinformatic likelihood to result in a splicing aberration (Splicing prior probability 0.02).

Labcorp Genetics (formerly Invitae), Labcorp
Classification: Likely benign for Hereditary breast ovarian cancer syndrome. Last evaluated: 2024-08-13. Review status: criteria provided, single submitter. Criteria: Invitae Variant Classification Sherloc (09022015). Collection method: clinical testing. Allele origin: germline. Not counted in ClinVar's aggregate classification.

Sema4
Classification: Likely benign for Hereditary cancer-predisposing syndrome. Last evaluated: 2021-10-14. Review status: criteria provided, single submitter. Criteria: Sema4 Curation Guidelines. Collection method: curation. Allele origin: germline. Not counted in ClinVar's aggregate classification.

Quest Diagnostics Nichols Institute San Juan Capistrano
Classification: Likely benign. Last evaluated: 2018-10-11. Review status: criteria provided, single submitter. Criteria: Quest Diagnostics criteria. Collection method: clinical testing. Allele origin: germline. Not counted in ClinVar's aggregate classification.

Ambry Genetics
Classification: Likely benign for Hereditary cancer-predisposing syndrome. Last evaluated: 2016-11-22. Review status: criteria provided, single submitter. Criteria: Ambry Variant Classification Scheme 2023. Collection method: clinical testing. Allele origin: germline. Not counted in ClinVar's aggregate classification.

NM_007294.4(BRCA1):c.1294C>T (p.Leu432=)

Gene: BRCA1 (BRCA1 DNA repair associated; minus strand). Cytogenetic location: 17q21.31.
Variant type: single nucleotide variant.
Coding change: c.1294C>T on transcript NM_007294.4 (MANE Select); coding-DNA position 1294, C replaced by T.
Protein change: p.Leu432=; no amino-acid change (leucine 432 retained).
Molecular consequence: synonymous variant. On other transcripts: intron variant (137).
Genome position (GRCh38, 1-based): chr17:43,094,237, G>A on the plus strand (C>T on the coding strand, the complement: BRCA1 is on the minus strand). VCF-style: chr17-43094237-G-A. GRCh37 (hg19) VCF-style: chr17-41246254-G-A.
Other names: c.1081C>T, p.Leu361= (NM_001407571.1, NM_001407853.1, NM_001407894.1 and 9 more transcripts); c.1294C>T, p.Leu432= (NM_001407581.1, NM_001407582.1, NM_001407583.1 and 30 more transcripts); c.1291C>T, p.Leu431= (NM_001407587.1, NM_001407590.1, NM_001407591.1 and 22 more transcripts); c.1285C>T, p.Leu429= (NM_001407646.1, NM_001407647.1); c.1171C>T, p.Leu391= (NM_001407648.1, NM_001407664.1, NM_001407665.1 and 19 more transcripts); c.1168C>T, p.Leu390= (NM_001407649.1, NM_001407670.1, NM_001407671.1 and 11 more transcripts); c.1216C>T, p.Leu406= (NM_001407653.1, NM_001407654.1, NM_001407655.1 and 4 more transcripts); c.1213C>T, p.Leu405= (NM_001407659.1, NM_001407660.1, NM_001407661.1 and 1 more transcripts); and 40 more.
Identifiers: ClinVar variation 220280 (VCV000220280.17), dbSNP rs864622454, ClinGen allele CA349118.